The following is an entry in ClinVar:

ClinVar aggregate classification (germline): Benign. Review status: criteria provided, multiple submitters, no conflicts (2 of 4 stars). 13 submissions from 13 submitters: Benign (11). 2 of the submissions do not count toward it. Last evaluated 2026-02-04.

Conditions:
Hereditary cancer-predisposing syndrome. Also called: Neoplastic Syndromes, Hereditary; Hereditary Cancer Syndrome; Tumor predisposition; Hereditary neoplastic syndrome. Identifiers: Orphanet 140162, MedGen C0027672, MeSH D009386, MONDO:0015356.
Bloom syndrome (BLM). Also called: Bloom-Torre-Machacek syndrome. Identifiers: Orphanet 125, MedGen C0005859, MONDO:0008876, OMIM 210900.

Allele frequency attached by ClinVar (database versions not stated): gnomAD 0.00958 and 0.00893; gnomAD exomes 0.00092 and 0.00230; ExAC 0.00289; ESP Exome Variant Server 0.01124; 1000 Genomes Project 30x 0.01077; TOPMed 0.00965; 1000 Genomes Project 0.01018.
gnomAD v4.1: 2,734 of 1,614,162 alleles (0.17%); highest among the groups gnomAD compares: African/African-American, 3.3%; 56 homozygotes.

Submissions (13):

Labcorp Genetics (formerly Invitae), Labcorp
Classification: Benign for Bloom syndrome. Last evaluated: 2026-02-04. Review status: criteria provided, single submitter. Criteria: Invitae Variant Classification Sherloc (09022015). Collection method: clinical testing. Allele origin: germline.

Quest Diagnostics Nichols Institute San Juan Capistrano
Classification: Benign. Last evaluated: 2025-07-12. Review status: criteria provided, single submitter. Criteria: Quest Diagnostics criteria. Collection method: clinical testing. Allele origin: unknown.

Molecular Diagnostics Laboratory, Catalan Institute of Oncology
Classification: Benign for Hereditary cancer-predisposing syndrome. Last evaluated: 2025-03-25. Review status: criteria provided, single submitter. Criteria: ACMG Guidelines, 2015. Collection method: clinical testing. Allele origin: germline.
Comment: BA1, NP4_Moderate c.419A>G located in exon 3 of the BLM gene, is predicted to result in the substitution of glutamic acid by glycine at codon 140, p.(Glu140Gly). The variant allele was found in 735/235664 alleles (12 homozygous), with a filter allele frequency of 2.86% at 99% confidence, within the African population in the gnomAD v2.1.1 database (non-cancer data set)(BA1). The SpliceAI algorithm predicts no significant impact on splicing and the REVEL meta-predictor score for this variant (0.071) suggests that it does not affect the protein function according to Pejaver 2022 thresholds (PMID: 36413997)(BP4_Moderate). This variant has been identified in the ClinVar database (10x benign) but has not been identified in the LOVD database. Based on currently available information, the variant c.419A>G is classified as a benign variant variant according ACMG guidelines.

Dasa
Classification: Benign. Last evaluated: 2024-12-14. Review status: criteria provided, single submitter. Criteria: DASA Assertion Criteria. Collection method: clinical testing. Allele origin: germline.
Comment: NM_000057.4(BLM):c.419A>G (p.Glu140Gly) is a missense variant that results in the substitution of glutamic acid with glycine. Population frequency is inconsistent with a disease-causing role for this variant. Computational prediction algorithms are consistent with a benign effect. Therefore, based on the currently available evidence, this variant is classified as benign.

KCCC/NGS Laboratory, Kuwait Cancer Control Center
Classification: Benign for Bloom syndrome. Last evaluated: 2023-07-07. Review status: criteria provided, single submitter. Criteria: ACMG Guidelines, 2015. Collection method: clinical testing. Allele origin: germline. Affected: yes.

Illumina Laboratory Services, Illumina
Classification: Benign for Bloom syndrome. Last evaluated: 2018-01-12. Review status: criteria provided, single submitter. Criteria: ICSL Variant Classification Criteria 13 December 2019. Collection method: clinical testing. Allele origin: germline.
Comment: This variant was observed in the ICSL laboratory as part of a predisposition screen in an ostensibly healthy population. It had not been previously curated by ICSL or reported in the Human Gene Mutation Database (HGMD: prior to June 1st, 2018), and was therefore a candidate for classification through an automated scoring system. Utilizing variant allele frequency, disease prevalence and penetrance estimates, and inheritance mode, an automated score was calculated to assess if this variant is too frequent to cause the disease. Based on the score and internal cut-off values, a variant classified as benign is not then subjected to further curation. The score for this variant resulted in a classification of benign for this disease.

Ambry Genetics
Classification: Benign for Hereditary cancer-predisposing syndrome. Last evaluated: 2016-09-29. Review status: criteria provided, single submitter. Criteria: Ambry Variant Classification Scheme 2023. Collection method: clinical testing. Allele origin: germline.

Women's Health and Genetics/Laboratory Corporation of America, LabCorp
Classification: Benign. Last evaluated: 2016-08-31. Review status: criteria provided, single submitter. Criteria: LabCorp Variant Classification Summary - May 2015. Collection method: clinical testing. Allele origin: germline.
Comment: Variant summary: The BLM c.419A>G (p.Glu140Gly) variant involves the alteration of a conserved nucleotide. 3/4 in silico tools predict a benign outcome for this variant (SNPs&GO not captured due to low reliability index). This variant was found in 351/121252 control chromosomes (2 homozygotes), predominantly observed in the African subpopulation at a frequency of 0.0317352 (327/10304). This frequency is about 9 times the estimated maximal expected allele frequency of a pathogenic BLM variant (0.0035355), suggesting this is likely a benign polymorphism found primarily in the populations of African origin. In addition, multiple clinical diagnostic laboratories/reputable databases classified this variant as benign. The variant of interest has not, to our knowledge, been reported in affected individuals via publications nor evaluated for functional impact by in vivo/vitro studies. Taken together, the variant is classified as benign.

Center for Pediatric Genomic Medicine, Children's Mercy Hospital and Clinics
Classification: Benign. Last evaluated: 2014-09-15. Review status: criteria provided, single submitter. Criteria: ACMG Guidelines, 2015. Collection method: clinical testing. Allele origin: germline.

GeneDx
Classification: Benign. Last evaluated: 2013-10-25. Review status: criteria provided, single submitter. Criteria: GeneDx Variant Classification (06012015). Collection method: clinical testing. Allele origin: germline. Affected: yes.
Comment: This variant is considered likely benign or benign based on one or more of the following criteria: it is a conservative change, it occurs at a poorly conserved position in the protein, it is predicted to be benign by multiple in silico algorithms, and/or has population frequency not consistent with disease.

Breakthrough Genomics
Classification: Benign. Review status: criteria provided, single submitter. Criteria: ACMG Guidelines, 2015. Collection method: not provided. Allele origin: germline. Inheritance: Autosomal recessive inheritance. Affected: yes.

Natera, Inc.
Classification: Benign for Bloom syndrome. Last evaluated: 2017-06-13. Review status: no assertion criteria provided. Collection method: clinical testing. Allele origin: germline. Not counted in ClinVar's aggregate classification.

ITMI
No classification provided. Condition: AllHighlyPenetrant. Last evaluated: 2013-09-19. Review status: no classification provided. Collection method: reference population. Allele origin: germline. Not counted in ClinVar's aggregate classification.
Comment: Please see associated publication for description of ethnicities

Literature cited by the submitters: PubMed 24728327 (cited by Quest Diagnostics Nichols Institute San Juan Capistrano and ITMI).

NM_000057.4(BLM):c.419A>G (p.Glu140Gly)

Gene: BLM (BLM RecQ like helicase; plus strand). Cytogenetic location: 15q26.1.
Variant type: single nucleotide variant.
Coding change: c.419A>G on transcript NM_000057.4 (MANE Select); coding-DNA position 419, A replaced by G.
Protein change: p.Glu140Gly; replaces glutamic acid 140 with glycine.
Molecular consequence: missense variant. On other transcripts: 5 prime UTR variant (1).
Genome position (GRCh38, 1-based): chr15:90,749,687, A>G. VCF-style: chr15-90749687-A-G. GRCh37 (hg19) VCF-style: chr15-91292917-A-G.
Other names: p.E140G:GAA>GGA; c.419A>G (LRG_20t1); c.419A>G, p.Glu140Gly (NM_001287246.2, NM_001287247.2); c.-873A>G (NM_001287248.2); short protein forms E140G.
Identifiers: ClinVar variation 133708 (VCV000133708.33), dbSNP rs35886055, ClinGen allele CA157415.